The following is an entry in ClinVar:

NM_033380.3(COL4A5):c.610G>A (p.Gly204Ser)

Gene: COL4A5 (collagen type IV alpha 5 chain; plus strand). Cytogenetic location: Xq22.3.
Variant type: single nucleotide variant.
Coding change: c.610G>A on transcript NM_033380.3 (MANE Select); coding-DNA position 610, G replaced by A.
Protein change: p.Gly204Ser; replaces glycine 204 with serine.
Molecular consequence: missense variant.
Genome position (GRCh38, 1-based): chrX:108,577,952, G>A. VCF-style: chrX-108577952-G-A. GRCh37 (hg19) VCF-style: chrX-107821182-G-A.
Other names: c.610G>A (NM_000495.4); c.610G>A, p.Gly204Ser (NM_000495.5); short protein forms G204S.
Identifiers: ClinVar variation 4532139 (VCV004532139.2).

ClinVar aggregate classification (germline): Likely pathogenic. Review status: criteria provided, multiple submitters, no conflicts (2 of 4 stars). 2 submissions from 2 submitters: Likely pathogenic (2). Last evaluated 2025-09-23.

Conditions:
X-linked Alport syndrome (ATS1). Also called: NEPHROPATHY AND DEAFNESS, X-LINKED; COL4A5-Related Nephropathy. Identifiers: Orphanet 63, Orphanet 88917, MedGen C4746986, MONDO:0010520, OMIM 301050.

Submissions (2):

Natera, Inc.
Classification: Likely pathogenic for X-linked Alport syndrome. Last evaluated: 2025-09-23. Review status: criteria provided, single submitter. Criteria: Natera Variant Classification Schema (03/2026). Collection method: clinical testing. Allele origin: germline.
Comment: The c.610G>A variant in COL4A5 is a missense variant predicted to cause substitution of glycine to serine at amino acid 204. This variant is rare in the general population with a frequency below the threshold expected for the associated phenotype(s). This variant is located in a functionally critical region of the protein. Computational prediction algorithms indicate this variant is likely to affect gene or protein function. Given the available evidence, this variant is classified as Likely Pathogenic.

Victorian Clinical Genetics Services, Murdoch Childrens Research Institute
Classification: Likely pathogenic for X-linked Alport syndrome. Last evaluated: 2025-09-15. Review status: criteria provided, single submitter. Criteria: ACMG Guidelines, 2015. Collection method: clinical testing. Allele origin: germline. Affected: yes.
Comment: This variant is classified as Likely pathogenic. Evidence in support of pathogenic classification: Variant is absent from gnomAD (v2, v3 and v4); Variant is located in the well-established triple helical G-X-Y repeat region and affects a glycine residue (DECIPHER); Missense variant predicted to be damaging by in silico tool(s) or highly conserved with a major amino acid change. Additional information: Variant is predicted to result in a missense amino acid change from Gly to Ser; This variant is hemizygous; This gene is associated with X-linked dominant disease. Males are typically more severely affected than females (PMID: 19965530); This variant has no previous evidence of pathogenicity; No published evidence of segregation with disease has been identified for this variant; No published functional evidence has been identified for this variant; No comparable variant type variants have previous evidence for pathogenicity. Both p.(Gly204Asp) and p.(Gly204Val) have been classified as likely pathogenic and pathogenic by clinical laboratories (ClinVar, LOVD), but these variants are not comparable due to grantham score; Dominant negative and loss of function are known mechanisms of disease in this gene and are associated with X-linked Alport syndrome 1 (MIM#301050). Dominant negative is caused mostly by glycine substitutions that affect the conformation of the protein, and loss of function can be caused by either protein truncating or missense variants (PMID: 24046192, 12028435). (I) - Inheritance information for this variant is not currently available in this individual.

Literature cited by the submitters: PubMed 19965530 (cited by Victorian Clinical Genetics Services, Murdoch Childrens Research Institute); PubMed 24046192 (cited by Victorian Clinical Genetics Services, Murdoch Childrens Research Institute); PubMed 12028435 (cited by Victorian Clinical Genetics Services, Murdoch Childrens Research Institute).